The following is an entry in ClinVar:

NM_001282531.3(ADNP):c.1540T>G (p.Cys514Gly)

Gene: ADNP (activity dependent neuroprotector homeobox; minus strand). Cytogenetic location: 20q13.13.
Variant type: single nucleotide variant.
Coding change: c.1540T>G on transcript NM_001282531.3 (MANE Select); coding-DNA position 1540, T replaced by G.
Protein change: p.Cys514Gly; replaces cysteine 514 with glycine.
Molecular consequence: missense variant.
Genome position (GRCh38, 1-based): chr20:50,893,174, A>C on the plus strand (T>G on the coding strand, the complement: ADNP is on the minus strand). VCF-style: chr20-50893174-A-C. GRCh37 (hg19) VCF-style: chr20-49509711-A-C.
Other names: c.1540T>G, p.Cys514Gly (NM_001282532.2, NM_001347511.2, NM_015339.5 and 1 more transcripts); short protein forms C514G.
Identifiers: ClinVar variation 1319913 (VCV001319913.5), dbSNP rs2122752568, ClinGen allele CA408973174.

ClinVar aggregate classification (germline): Conflicting classifications of pathogenicity. Review status: criteria provided, conflicting classifications (1 of 4 stars). 3 submissions from 3 submitters: Likely pathogenic (1); Uncertain significance (1). 1 of the submissions does not count toward it. Last evaluated 2024-06-18.

Conditions:
ADNP-related multiple congenital anomalies - intellectual disability - autism spectrum disorder. Also called: Helsmoortel-Van der Aa Syndrome; ADNP-Related Helsmoortel-Van der Aa Syndrome. Identifiers: Orphanet 404448, MedGen C4014538, MONDO:0014379, OMIM 615873. Disease mechanism: loss of function.

Submissions (3):

Institute of Human Genetics, University of Leipzig Medical Center
Classification: Likely pathogenic for ADNP-related multiple congenital anomalies - intellectual disability - autism spectrum disorder. Last evaluated: 2024-06-18. Review status: criteria provided, single submitter. Criteria: ACMG Guidelines, 2015. Collection method: clinical testing. Allele origin: de novo. Inheritance: Autosomal dominant inheritance. Affected: yes.
Comment: Criteria applied: PS2_MOD,PS4_MOD,PM2,PP3

Genomic Medicine Center of Excellence, King Faisal Specialist Hospital and Research Centre
Classification: Uncertain significance for ADNP-related multiple congenital anomalies - intellectual disability - autism spectrum disorder. Last evaluated: 2024-03-29. Review status: criteria provided, single submitter. Criteria: ACMG Guidelines, 2015. Collection method: clinical testing. Allele origin: germline.

Clinical Genetics Laboratory, University Hospital Schleswig-Holstein
Classification: Likely pathogenic for ADNP-related multiple congenital anomalies - intellectual disability - autism spectrum disorder. Last evaluated: 2021-09-27. Review status: no assertion criteria provided. Collection method: clinical testing. Allele origin: germline. Affected: yes. Not counted in ClinVar's aggregate classification.